The following is an entry in ClinVar:

ClinVar aggregate classification (germline): Conflicting classifications of pathogenicity. Review status: criteria provided, conflicting classifications (1 of 4 stars). 3 submissions from 3 submitters: Uncertain significance (1); Likely benign (1). 1 of the submissions does not count toward it. Last evaluated 2025-07-01.

Conditions:
Amenorrhea. Identifiers: MedGen C0002453, MONDO:0001836, HP:0000141.

Allele frequency attached by ClinVar (database versions not stated): 1000 Genomes Project 30x 0.00094; 1000 Genomes Project 0.00100; gnomAD exomes 0.00145 and 0.00239; TOPMed 0.00150; ExAC 0.00151; gnomAD 0.00163 and 0.00164; ESP Exome Variant Server 0.00261.
gnomAD v4.1: 3,692 of 1,613,968 alleles (0.23%); highest among the groups gnomAD compares: Non-Finnish European, 0.28%; 6 homozygotes.

Submissions (3):

CeGaT Center for Human Genetics Tuebingen
Classification: Likely benign. Last evaluated: 2025-07-01. Review status: criteria provided, single submitter. Criteria: CeGaT Center For Human Genetics Tuebingen Variant Classification Criteria Version 2. Collection method: clinical testing. Allele origin: germline. Affected: yes. Observed: 1 variant allele.
Comment: OTUD4: BP4, BS2

Breakthrough Genomics
Classification: Uncertain significance. Review status: criteria provided, single submitter. Criteria: ACMG Guidelines, 2015. Collection method: not provided. Allele origin: germline. Inheritance: Unknown mechanism. Affected: yes.

Yale Center for Mendelian Genomics, Yale University
Classification: Uncertain significance for Amenorrhea. Last evaluated: 2021-03-08. Review status: no assertion criteria provided. Collection method: literature only. Allele origin: unknown. Affected: yes. Observed: 1 heterozygote. Study: Yale Center for Mendelian Genomics. Not counted in ClinVar's aggregate classification.

Literature cited by the submitters: PubMed 32870266 (cited by Yale Center for Mendelian Genomics, Yale University).

NM_001366057.1(OTUD4):c.2993C>G (p.Pro998Arg)

Gene: OTUD4 (OTU deubiquitinase 4; minus strand). Cytogenetic location: 4q31.21.
Variant type: single nucleotide variant.
Coding change: c.2993C>G on transcript NM_001366057.1 (MANE Select); coding-DNA position 2993, C replaced by G.
Protein change: p.Pro998Arg; replaces proline 998 with arginine.
Molecular consequence: missense variant.
Genome position (GRCh38, 1-based): chr4:145,137,782, G>C on the plus strand (C>G on the coding strand, the complement: OTUD4 is on the minus strand). VCF-style: chr4-145137782-G-C. GRCh37 (hg19) VCF-style: chr4-146058934-G-C.
Other names: c.2798C>G, p.Pro933Arg (NM_001102653.1); short protein forms P933R, P998R.
Identifiers: ClinVar variation 1344745 (VCV001344745.10), dbSNP rs4561948, ClinGen allele CA3094014.